The following is an entry in ClinVar:

NM_020937.4(FANCM):c.291C>G (p.His97Gln)

Gene: FANCM (FA complementation group M; plus strand). Cytogenetic location: 14q21.2.
Variant type: single nucleotide variant.
Coding change: c.291C>G on transcript NM_020937.4 (MANE Select); coding-DNA position 291, C replaced by G.
Protein change: p.His97Gln; replaces histidine 97 with glutamine.
Molecular consequence: missense variant.
Genome position (GRCh38, 1-based): chr14:45,136,322, C>G. VCF-style: chr14-45136322-C-G. GRCh37 (hg19) VCF-style: chr14-45605525-C-G.
Other names: c.291C>G, p.His97Gln (NM_001308133.2, NM_001308134.2); c.291C>G (NM_020937.3); short protein forms H97Q.
Identifiers: ClinVar variation 851894 (VCV000851894.22), dbSNP rs369609574, ClinGen allele CA7168731.

ClinVar aggregate classification (germline): Uncertain significance. Review status: criteria provided, multiple submitters, no conflicts (2 of 4 stars). 7 submissions from 7 submitters: Uncertain significance (6). 1 of the submissions does not count toward it. Last evaluated 2025-06-09.

Conditions:
Fanconi anemia (FA). Also called: Fanconi's anemia. Identifiers: Orphanet 84, MedGen C0015625, MeSH D005199, MONDO:0019391.
FANCM-related disorder. Also called: FANCM-related condition.
Spermatogenic failure 28. Identifiers: MedGen C4748117, MONDO:0054732, OMIM 618086.
Premature ovarian failure 15. Identifiers: MedGen C4748170, MONDO:0054862, OMIM 618096.
Inborn genetic diseases. Identifiers: MedGen C0950123, MeSH D030342.
Hereditary cancer-predisposing syndrome. Also called: Neoplastic Syndromes, Hereditary; Hereditary Cancer Syndrome; Tumor predisposition; Hereditary neoplastic syndrome. Identifiers: Orphanet 140162, MedGen C0027672, MeSH D009386, MONDO:0015356.

Allele frequency attached by ClinVar (database versions not stated): gnomAD exomes 0.00002 and 0.00003; ExAC 0.00004; gnomAD 0.00013 and 0.00014; TOPMed 0.00014; ESP Exome Variant Server 0.00015.
gnomAD v4.1: 44 of 1,614,066 alleles (0.0027%); highest among the groups gnomAD compares: African/African-American, 0.057%; 1 homozygote.

Submissions (7):

GeneDx
Classification: Uncertain significance. Last evaluated: 2025-06-09. Review status: criteria provided, single submitter. Criteria: GeneDx Variant Classification Process June 2021. Collection method: clinical testing. Allele origin: germline. Affected: yes.
Comment: In silico analysis suggests that this missense variant does not alter protein structure/function; Has not been previously published as pathogenic or benign to our knowledge

Quest Diagnostics Nichols Institute San Juan Capistrano
Classification: Uncertain significance. Last evaluated: 2025-01-23. Review status: criteria provided, single submitter. Criteria: Quest Diagnostics criteria. Collection method: clinical testing. Allele origin: unknown.
Comment: The FANCM c.291C>G (p.His97Gln) variant has not been reported in individuals with FANCM-related conditions in the published literature. The frequency of this variant in the general population (Genome Aggregation Database) is uninformative in the assessment of its pathogenicity. Analysis of this variant using bioinformatics tools for the prediction of the effect of amino acid changes on protein structure and function yielded predictions that this variant is benign. Based on the available information, we are unable to determine the clinical significance of this variant.

Ambry Genetics
Classification: Uncertain significance for Inborn genetic diseases. Last evaluated: 2024-10-17. Review status: criteria provided, single submitter. Criteria: Ambry Variant Classification Scheme 2023. Collection method: clinical testing. Allele origin: germline.
Comment: The p.H97Q variant (also known as c.291C>G), located in coding exon 1 of the FANCM gene, results from a C to G substitution at nucleotide position 291. The histidine at codon 97 is replaced by glutamine, an amino acid with highly similar properties. This amino acid position is conserved. In addition, this alteration is predicted to be tolerated by in silico analysis. Based on the available evidence, the clinical significance of this variant remains unclear.

Labcorp Genetics (formerly Invitae), Labcorp
Classification: Uncertain significance for Fanconi anemia. Last evaluated: 2024-04-15. Review status: criteria provided, single submitter. Criteria: Invitae Variant Classification Sherloc (09022015). Collection method: clinical testing. Allele origin: germline.
Comment: This sequence change replaces histidine, which is basic and polar, with glutamine, which is neutral and polar, at codon 97 of the FANCM protein (p.His97Gln). This variant is present in population databases (rs369609574, gnomAD 0.05%). This variant has not been reported in the literature in individuals affected with FANCM-related conditions. ClinVar contains an entry for this variant (Variation ID: 851894). Algorithms developed to predict the effect of missense changes on protein structure and function output the following: SIFT: "Not Available"; PolyPhen-2: "Benign"; Align-GVGD: "Not Available". The glutamine amino acid residue is found in multiple mammalian species, which suggests that this missense change does not adversely affect protein function. In summary, the available evidence is currently insufficient to determine the role of this variant in disease. Therefore, it has been classified as a Variant of Uncertain Significance.

Fulgent Genetics
Classification: Uncertain significance for Spermatogenic failure 28; Premature ovarian failure 15. Last evaluated: 2022-03-04. Review status: criteria provided, single submitter. Criteria: ACMG Guidelines, 2015. Collection method: clinical testing. Allele origin: unknown.

Sema4
Classification: Uncertain significance for Hereditary cancer-predisposing syndrome. Last evaluated: 2021-10-22. Review status: criteria provided, single submitter. Criteria: Sema4 Curation Guidelines. Collection method: curation. Allele origin: germline.
Comment: The FANCM c.291C>G (p.H97Q) variant has not been reported in the literature to our knowledge. This variant was observed in 12/24960 chromosomes in the African/African American population, with 1 homozygote, according to the Genome Aggregation Database (PMID: 32461654). This variant has been reported in ClinVar (Variation ID 851894). In silico tools suggest the impact of the variant on protein function is benign, though these predictions have not been confirmed by functional studies.The overall evidence is insufficient to meet ACMG/AMP criteria for classifying it as benign or pathogenic. In summary, the clinical significance of this variant is currently uncertain.

PreventionGenetics, part of Exact Sciences
Classification: Uncertain significance for FANCM-related condition. Last evaluated: 2023-12-15. Review status: no assertion criteria provided. Collection method: clinical testing. Allele origin: germline. Not counted in ClinVar's aggregate classification.
Comment: The FANCM c.291C>G variant is predicted to result in the amino acid substitution p.His97Gln. To our knowledge, this variant has not been reported in the literature. This variant is reported in 0.048% of alleles in individuals of African descent in gnomAD. At this time, the clinical significance of this variant is uncertain due to the absence of conclusive functional and genetic evidence.